The following is an entry in ClinVar:

NM_012434.5(SLC17A5):c.606A>G (p.Ser202=)

Gene: SLC17A5 (solute carrier family 17 member 5; minus strand). Cytogenetic location: 6q13.
Variant type: single nucleotide variant.
Coding change: c.606A>G on transcript NM_012434.5 (MANE Select); coding-DNA position 606, A replaced by G.
Protein change: p.Ser202=; no amino-acid change (serine 202 retained).
Molecular consequence: synonymous variant.
Genome position (GRCh38, 1-based): chr6:73,638,419, T>C on the plus strand (A>G on the coding strand, the complement: SLC17A5 is on the minus strand). VCF-style: chr6-73638419-T-C. GRCh37 (hg19) VCF-style: chr6-74348142-T-C.
Identifiers: ClinVar variation 357925 (VCV000357925.27), dbSNP rs3757112, ClinGen allele CA3890495.

ClinVar aggregate classification (germline): Benign. Review status: criteria provided, multiple submitters, no conflicts (2 of 4 stars). 9 submissions from 7 submitters: Benign (7). 2 of the submissions do not count toward it. Last evaluated 2026-02-04.

Conditions:
Sialic acid storage disease, severe infantile type (ISSD). Also called: Free sialic acid storage disease, infantile form; N-ACETYLNEURAMINIC ACID STORAGE DISEASE; NANA STORAGE DISEASE; INFANTILE SIALIC ACID STORAGE DISORDER; SIALURIA, INFANTILE FORM; Infantile Sialic Acid Storage Disease. Identifiers: Orphanet 309324, Orphanet 834, MedGen C1096902, MONDO:0010027, OMIM 269920.
Salla disease (SD). Also called: Sialuria, Finnish type; N-acetylneuraminic acid (NANA) storage disease (NSD); Infantile sialic acid storage disorder (ISSD); Less Severe FSASD (Salla Disease). Identifiers: Orphanet 309334, Orphanet 834, MedGen C1096903, MONDO:0011449, OMIM 604369.

Allele frequency attached by ClinVar (database versions not stated): ESP Exome Variant Server 0.04513; gnomAD 0.05389 and 0.05575; 1000 Genomes Project 0.06550; TOPMed 0.06621; 1000 Genomes Project 30x 0.06715; gnomAD exomes 0.06837 and 0.08666; ExAC 0.07939.
gnomAD v4.1: 107,867 of 1,612,298 alleles (6.7%); highest among the groups gnomAD compares: Admixed American, 24%; 5,100 homozygotes.

Submissions (9):

Labcorp Genetics (formerly Invitae), Labcorp
Classification: Benign for Salla disease. Last evaluated: 2026-02-04. Review status: criteria provided, single submitter. Criteria: Invitae Variant Classification Sherloc (09022015). Collection method: clinical testing. Allele origin: germline.

Genome-Nilou Lab
Classification: Benign for Salla disease. Last evaluated: 2021-07-10. Review status: criteria provided, single submitter. Criteria: ACMG Guidelines, 2015. Collection method: clinical testing. Allele origin: germline. Affected: no.

Genome-Nilou Lab
Classification: Benign for Sialic acid storage disease, severe infantile type. Last evaluated: 2021-07-10. Review status: criteria provided, single submitter. Criteria: ACMG Guidelines, 2015. Collection method: clinical testing. Allele origin: germline. Affected: no.

Women's Health and Genetics/Laboratory Corporation of America, LabCorp
Classification: Benign. Last evaluated: 2020-03-27. Review status: criteria provided, single submitter. Criteria: LabCorp Variant Classification Summary - May 2015. Collection method: clinical testing. Allele origin: germline.

Illumina Laboratory Services, Illumina
Classification: Benign for Salla disease. Last evaluated: 2018-01-12. Review status: criteria provided, single submitter. Criteria: ICSL Variant Classification Criteria 13 December 2019. Collection method: clinical testing. Allele origin: germline.
Comment: This variant was observed in the ICSL laboratory as part of a predisposition screen in an ostensibly healthy population. It had not been previously curated by ICSL or reported in the Human Gene Mutation Database (HGMD: prior to June 1st, 2018), and was therefore a candidate for classification through an automated scoring system. Utilizing variant allele frequency, disease prevalence and penetrance estimates, and inheritance mode, an automated score was calculated to assess if this variant is too frequent to cause the disease. Based on the score and internal cut-off values, a variant classified as benign is not then subjected to further curation. The score for this variant resulted in a classification of benign for this disease.

Illumina Laboratory Services, Illumina
Classification: Benign for Sialic acid storage disease, severe infantile type. Last evaluated: 2018-01-12. Review status: criteria provided, single submitter. Criteria: ICSL Variant Classification Criteria 13 December 2019. Collection method: clinical testing. Allele origin: germline.
Comment: the same text as in the submission from Illumina Laboratory Services, Illumina above.

GeneDx
Classification: Benign. Last evaluated: 2015-03-03. Review status: criteria provided, single submitter. Criteria: GeneDx Variant Classification Process June 2021. Collection method: clinical testing. Allele origin: germline. Affected: yes.

Natera, Inc.
Classification: Benign for Salla disease. Last evaluated: 2019-11-21. Review status: no assertion criteria provided. Collection method: clinical testing. Allele origin: germline. Not counted in ClinVar's aggregate classification.

Mayo Clinic Laboratories, Mayo Clinic
Classification: Benign. Last evaluated: 2015-10-22. Review status: no assertion criteria provided. Collection method: clinical testing. Allele origin: unknown. Not counted in ClinVar's aggregate classification.